The following is an entry in ClinVar:

NM_001458.5(FLNC):c.5811C>T (p.Ile1937=)

Genes: FLNC (filamin C; plus strand), FLNC-AS1 (FLNC antisense RNA 1; minus strand). Cytogenetic location: 7q32.1.
Variant type: single nucleotide variant.
Coding change: c.5811C>T on transcript NM_001458.5 (MANE Select); coding-DNA position 5811, C replaced by T.
Protein change: p.Ile1937=; no amino-acid change (isoleucine 1937 retained).
Molecular consequence: synonymous variant.
Genome position (GRCh38, 1-based): chr7:128,851,597, C>T. VCF-style: chr7-128851597-C-T. GRCh37 (hg19) VCF-style: chr7-128491651-C-T.
Other names: c.5712C>T, p.Ile1904= (NM_001127487.2).
Identifiers: ClinVar variation 4874525 (VCV004874525.2).

ClinVar aggregate classification (germline): Uncertain significance (1 of 4 stars; one submission).

Submission:

CeGaT Center for Human Genetics Tuebingen
Classification: Uncertain significance. Last evaluated: 2026-04-01. Review status: criteria provided, single submitter. Criteria: CeGaT Center For Human Genetics Tuebingen Variant Classification Criteria Version 2. Collection method: clinical testing. Allele origin: germline. Affected: yes. Observed: 1 variant allele.
Comment: FLNC: PM2:Supporting, BP4